The following is an entry in ClinVar:

NM_032608.7(MYO18B):c.188C>T (p.Pro63Leu)

Gene: MYO18B (myosin XVIIIB; plus strand). Cytogenetic location: 22q12.1.
Variant type: single nucleotide variant.
Coding change: c.188C>T on transcript NM_032608.7 (MANE Select); coding-DNA position 188, C replaced by T.
Protein change: p.Pro63Leu; replaces proline 63 with leucine.
Molecular consequence: missense variant.
Genome position (GRCh38, 1-based): chr22:25,763,379, C>T. VCF-style: chr22-25763379-C-T. GRCh37 (hg19) VCF-style: chr22-26159346-C-T.
Other names: c.188C>T, p.Pro63Leu (NM_001318245.2); short protein forms P63L.
Identifiers: ClinVar variation 2777618 (VCV002777618.3), dbSNP rs142414610, ClinGen allele CA10159511.

ClinVar aggregate classification (germline): Uncertain significance (1 of 4 stars; one submission).

Allele frequency attached by ClinVar (database versions not stated): ExAC 0.00001; gnomAD 0.00002; 1000 Genomes Project 30x 0.00016; 1000 Genomes Project 0.00020.
gnomAD v4.1: 3 of 1,610,754 alleles (0.00019%); highest among the groups gnomAD compares: African/African-American, 0.004%; no homozygotes.

Submission:

Labcorp Genetics (formerly Invitae), Labcorp
Classification: Uncertain significance. Last evaluated: 2023-11-22. Review status: criteria provided, single submitter. Criteria: Invitae Variant Classification Sherloc (09022015). Collection method: clinical testing. Allele origin: germline.
Comment: This sequence change replaces proline, which is neutral and non-polar, with leucine, which is neutral and non-polar, at codon 63 of the MYO18B protein (p.Pro63Leu). This variant is present in population databases (rs142414610, gnomAD 0.007%). This variant has not been reported in the literature in individuals affected with MYO18B-related conditions. Algorithms developed to predict the effect of missense changes on protein structure and function output the following: SIFT: "Not Available"; PolyPhen-2: "Benign"; Align-GVGD: "Not Available". The leucine amino acid residue is found in multiple mammalian species, which suggests that this missense change does not adversely affect protein function. In summary, the available evidence is currently insufficient to determine the role of this variant in disease. Therefore, it has been classified as a Variant of Uncertain Significance.